The following is an entry in ClinVar:

NM_000843.4(GRM6):c.1881C>G (p.Leu627=)

Genes: GRM6 (glutamate metabotropic receptor 6; minus strand), ZNF454 (zinc finger protein 454; plus strand). Cytogenetic location: 5q35.3.
Variant type: single nucleotide variant.
Coding change: c.1881C>G on transcript NM_000843.4 (MANE Select); coding-DNA position 1881, C replaced by G.
Protein change: p.Leu627=; no amino-acid change (leucine 627 retained).
Molecular consequence: synonymous variant.
Genome position (GRCh38, 1-based): chr5:178,986,373, G>C on the plus strand (C>G on the coding strand, the complement: GRM6 is on the minus strand). VCF-style: chr5-178986373-G-C. GRCh37 (hg19) VCF-style: chr5-178413374-G-C.
Identifiers: ClinVar variation 5038715 (VCV005038715.1).

ClinVar aggregate classification (germline): Likely benign (1 of 4 stars; one submission).

Submission:

CeGaT Center for Human Genetics Tuebingen
Classification: Likely benign. Last evaluated: 2026-08-01. Review status: criteria provided, single submitter. Criteria: CeGaT Center For Human Genetics Tuebingen Variant Classification Criteria Version 2. Collection method: clinical testing. Allele origin: germline. Affected: yes. Observed: 1 variant allele.
Comment: GRM6: PM2:Supporting, BP4, BP7